The following is an entry in ClinVar:

ClinVar aggregate classification (germline): Uncertain significance (1 of 4 stars; one submission).

Conditions:
Hereditary cancer-predisposing syndrome. Also called: Tumor predisposition; Hereditary neoplastic syndrome; Neoplastic Syndromes, Hereditary; Hereditary Cancer Syndrome. Identifiers: Orphanet 140162, MedGen C0027672, MeSH D009386, MONDO:0015356.

Submission:

Ambry Genetics
Classification: Uncertain significance for Hereditary cancer-predisposing syndrome. Last evaluated: 2025-05-15. Review status: criteria provided, single submitter. Criteria: Ambry Variant Classification Scheme 2023. Collection method: clinical testing. Allele origin: germline.
Comment: The p.I1865L variant (also known as c.5593A>C), located in coding exon 10 of the BRCA2 gene, results from an A to C substitution at nucleotide position 5593. The isoleucine at codon 1865 is replaced by leucine, an amino acid with highly similar properties. This amino acid position is not well conserved in available vertebrate species. In addition, this alteration is predicted to be tolerated by in silico analysis. Based on the available evidence, the clinical significance of this variant remains unclear.

NM_000059.4(BRCA2):c.5593A>C (p.Ile1865Leu)

Gene: BRCA2 (BRCA2 DNA repair associated; plus strand). Cytogenetic location: 13q13.1.
Variant type: single nucleotide variant.
Coding change: c.5593A>C on transcript NM_000059.4 (MANE Select); coding-DNA position 5593, A replaced by C.
Protein change: p.Ile1865Leu; replaces isoleucine 1865 with leucine.
Molecular consequence: missense variant. On other transcripts: non-coding transcript variant (1), intron variant (2).
Genome position (GRCh38, 1-based): chr13:32,339,948, A>C. VCF-style: chr13-32339948-A-C. GRCh37 (hg19) VCF-style: chr13-32914085-A-C.
Other names: c.5593A>C, p.Ile1865Leu (NM_001406719.1, NM_001406720.1, NM_001432077.1); c.1910-4610A>C (NM_001406721.1); c.425-4610A>C (NM_001406722.1); short protein forms I1865L.
Identifiers: ClinVar variation 3992800 (VCV003992800.1).